The following is an entry in ClinVar:

ClinVar aggregate classification (germline): Pathogenic (1 of 4 stars; one submission).

Conditions:
Duchenne muscular dystrophy (DMD). Also called: MUSCULAR DYSTROPHY, PSEUDOHYPERTROPHIC PROGRESSIVE, DUCHENNE TYPE; Duchenne Muscular Dystrophy (DMD). Identifiers: Orphanet 98896, MedGen C0013264, MONDO:0010679, OMIM 310200.

Submission:

Labcorp Genetics (formerly Invitae), Labcorp
Classification: Pathogenic for Duchenne muscular dystrophy. Last evaluated: 2023-01-03. Review status: criteria provided, single submitter. Criteria: Invitae Variant Classification Sherloc (09022015). Collection method: clinical testing. Allele origin: germline.
Comment: For these reasons, this variant has been classified as Pathogenic. This variant has not been reported in the literature in individuals affected with DMD-related conditions. This variant is not present in population databases (gnomAD no frequency). This sequence change creates a premature translational stop signal (p.Thr847Asnfs*4) in the DMD gene. It is expected to result in an absent or disrupted protein product. Loss-of-function variants in DMD are known to be pathogenic (PMID: 16770791, 25007885).

Literature cited by the submitters: PubMed 16770791; PubMed 25007885.

NM_004006.3(DMD):c.2539dup (p.Thr847fs)

Gene: DMD (dystrophin; minus strand). Cytogenetic location: Xp21.1.
Variant type: Duplication.
Coding change: c.2539dup on transcript NM_004006.3 (MANE Select); coding-DNA position 2539, one base duplicated (A; older notation c.2539dupA).
Protein change: p.Thr847fs; shifts the reading frame from threonine 847.
Molecular consequence: frameshift variant.
Genome position (GRCh38, 1-based): chrX:32,491,360, T duplicated on the plus strand (A on the coding strand, the reverse complement: DMD is on the minus strand); the first of 2 consecutive T bases (chrX:32,491,360-32,491,361); duplicating either gives the same sequence. VCF-style (leftmost placement, unchanged base first): chrX-32491359-G-GT. GRCh37 (hg19) VCF-style: chrX-32509476-G-GT.
Other names: c.2515dup, p.Thr839fs (NM_000109.4); c.2527dup, p.Thr843fs (NM_004009.3); c.2170dup, p.Thr724fs (NM_004010.3); short protein forms T724fs, T839fs, T843fs, T847fs.
Identifiers: ClinVar variation 2809012 (VCV002809012.3), dbSNP rs2525050898, ClinGen allele CA2739273372.
Genomic context (GRCh38, chrX:32,491,359, plus strand): 5'-TTAATTGCTGTTGGCTCTGATGGGGTGGTGGGTTGGATTTTCAACCAGTTTTCAGCAGTA[G>GT]TTGTCATCTGCTCCAATTGTTGTAGCTGATTATAGAAAGCGATGATGTTGTTCTGATACT-3'